The following is an entry in ClinVar:

NM_017617.5(NOTCH1):c.1681A>G (p.Thr561Ala)

Gene: NOTCH1 (notch receptor 1; minus strand). Cytogenetic location: 9q34.3.
Variant type: single nucleotide variant.
Coding change: c.1681A>G on transcript NM_017617.5 (MANE Select); coding-DNA position 1681, A replaced by G.
Protein change: p.Thr561Ala; replaces threonine 561 with alanine.
Molecular consequence: missense variant.
Genome position (GRCh38, 1-based): chr9:136,515,705, T>C on the plus strand (A>G on the coding strand, the complement: NOTCH1 is on the minus strand). VCF-style: chr9-136515705-T-C. GRCh37 (hg19) VCF-style: chr9-139410157-T-C.
Other names: short protein forms T561A.
Identifiers: ClinVar variation 1305178 (VCV001305178.4), dbSNP rs2133364361, ClinGen allele CA375560580.

ClinVar aggregate classification (germline): Uncertain significance. Review status: criteria provided, multiple submitters, no conflicts (2 of 4 stars). 3 submissions from 3 submitters: Uncertain significance (3). Last evaluated 2025-11-23.

Conditions:
Adams-Oliver syndrome 5 (AOS5). Identifiers: Orphanet 974, MedGen C4014970, MONDO:0014459, OMIM 616028.
Familial thoracic aortic aneurysm and aortic dissection (TAAD). Also called: Thoracic aortic aneurysms and dissections. Identifiers: Orphanet 91387, MedGen C4707243, MONDO:0019625.

Allele frequency attached by ClinVar (database versions not stated): gnomAD exomes below 0.00001.
gnomAD v4.1: 1 of 1,541,056 alleles (0.000065%); highest among the groups gnomAD compares: Non-Finnish European, 0.000087%; no homozygotes.

Submissions (3):

Labcorp Genetics (formerly Invitae), Labcorp
Classification: Uncertain significance for Adams-Oliver syndrome 5. Last evaluated: 2025-11-23. Review status: criteria provided, single submitter. Criteria: Invitae Variant Classification Sherloc (09022015). Collection method: clinical testing. Allele origin: germline.
Comment: This sequence change replaces threonine, which is neutral and polar, with alanine, which is neutral and non-polar, at codon 561 of the NOTCH1 protein (p.Thr561Ala). This variant is not present in population databases (gnomAD no frequency). This variant has not been reported in the literature in individuals affected with NOTCH1-related conditions. ClinVar contains an entry for this variant (Variation ID: 1305178). Invitae Evidence Modeling of protein sequence and biophysical properties (such as structural, functional, and spatial information, amino acid conservation, physicochemical variation, residue mobility, and thermodynamic stability) indicates that this missense variant is not expected to disrupt NOTCH1 protein function with a negative predictive value of 95%. In summary, the available evidence is currently insufficient to determine the role of this variant in disease. Therefore, it has been classified as a Variant of Uncertain Significance.

Ambry Genetics
Classification: Uncertain significance for Familial thoracic aortic aneurysm and aortic dissection. Last evaluated: 2025-06-22. Review status: criteria provided, single submitter. Criteria: Ambry Variant Classification Scheme 2023. Collection method: clinical testing. Allele origin: germline.
Comment: The p.T561A variant (also known as c.1681A>G), located in coding exon 11 of the NOTCH1 gene, results from an A to G substitution at nucleotide position 1681. The threonine at codon 561 is replaced by alanine, an amino acid with similar properties. This amino acid position is conserved. In addition, this alteration is predicted to be tolerated by in silico analysis. Based on the available evidence, the clinical significance of this variant remains unclear.

GeneDx
Classification: Uncertain significance. Last evaluated: 2019-04-16. Review status: criteria provided, single submitter. Criteria: GeneDx Variant Classification Process June 2021. Collection method: clinical testing. Allele origin: germline. Affected: yes.
Comment: Has not been previously published as pathogenic or benign to our knowledge; Not observed in large population cohorts (Lek et al., 2016); In silico analysis, which includes protein predictors and evolutionary conservation, supports that this variant does not alter protein structure/function